The following is an entry in ClinVar:

ClinVar aggregate classification (germline): Likely benign (1 of 4 stars; one submission).

Allele frequency attached by ClinVar (database versions not stated): gnomAD 0.03242 and 0.03297; 1000 Genomes Project 30x 0.03357; TOPMed 0.03424; 1000 Genomes Project 0.03514.
gnomAD v4.1: 4,904 of 152,010 alleles (3.2%); highest among the groups gnomAD compares: Middle Eastern, 5.1%; 83 homozygotes.

Submission:

GeneDx
Classification: Likely benign. Last evaluated: 2018-06-16. Review status: criteria provided, single submitter. Criteria: GeneDx Variant Classification (06012015). Collection method: clinical testing. Allele origin: germline. Affected: yes.
Comment: This variant is considered likely benign or benign based on one or more of the following criteria: it is a conservative change, it occurs at a poorly conserved position in the protein, it is predicted to be benign by multiple in silico algorithms, and/or has population frequency not consistent with disease.

NM_001256545.2(MEGF10):c.3232+220C>G

Gene: MEGF10 (multiple EGF like domains 10; plus strand). Cytogenetic location: 5q23.2.
Variant type: single nucleotide variant.
Coding change: c.3232+220C>G on transcript NM_001256545.2 (MANE Select); 220 bases into the intron after coding-DNA position 3232, C replaced by G.
Molecular consequence: intron variant.
Genome position (GRCh38, 1-based): chr5:127,455,827, C>G. VCF-style: chr5-127455827-C-G. GRCh37 (hg19) VCF-style: chr5-126791519-C-G.
Other names: c.3232+220C>G (NM_032446.3).
Identifiers: ClinVar variation 672966 (VCV000672966.1), dbSNP rs140094297, ClinGen allele CA126952747.